The following is an entry in ClinVar:

NM_004055.5(CAPN5):c.1813C>T (p.Gln605Ter)

Gene: CAPN5 (calpain 5; plus strand). Cytogenetic location: 11q13.5.
Variant type: single nucleotide variant.
Coding change: c.1813C>T on transcript NM_004055.5 (MANE Select); coding-DNA position 1813, C replaced by T.
Protein change: p.Gln605Ter; replaces glutamine 605 with a stop codon.
Molecular consequence: nonsense.
Genome position (GRCh38, 1-based): chr11:77,123,760, C>T. VCF-style: chr11-77123760-C-T. GRCh37 (hg19) VCF-style: chr11-76834806-C-T.
Other names: short protein forms Q605*.
Identifiers: ClinVar variation 2036337 (VCV002036337.4), dbSNP rs2496318553, ClinGen allele CA381945296.

ClinVar aggregate classification (germline): Uncertain significance (1 of 4 stars; one submission).

Allele frequency attached by ClinVar (database versions not stated): gnomAD exomes below 0.00001.
gnomAD v4.1: 1 of 1,613,990 alleles (0.000062%); highest among the groups gnomAD compares: Non-Finnish European, 0.000085%; no homozygotes.

Submission:

Labcorp Genetics (formerly Invitae), Labcorp
Classification: Uncertain significance. Last evaluated: 2022-10-20. Review status: criteria provided, single submitter. Criteria: Invitae Variant Classification Sherloc (09022015). Collection method: clinical testing. Allele origin: germline.
Comment: In summary, the available evidence is currently insufficient to determine the role of this variant in disease. Therefore, it has been classified as a Variant of Uncertain Significance. Experimental studies and prediction algorithms are not available or were not evaluated, and the functional significance of this variant is currently unknown. This variant has not been reported in the literature in individuals affected with CAPN5-related conditions. This variant is not present in population databases (gnomAD no frequency). This sequence change creates a premature translational stop signal (p.Gln605*) in the CAPN5 gene. While this is not anticipated to result in nonsense mediated decay, it is expected to disrupt the last 36 amino acid(s) of the CAPN5 protein.